The following is an entry in ClinVar:

ClinVar aggregate classification (germline): Uncertain significance. Review status: criteria provided, multiple submitters, no conflicts (2 of 4 stars). 5 submissions from 5 submitters: Uncertain significance (2). 3 of the submissions do not count toward it. Last evaluated 2025-11-26.

Conditions:
Left ventricular noncompaction 8 (LVNC8). Identifiers: Orphanet 154, Orphanet 54260, MedGen C3809288, MONDO:0014152, OMIM 615373.

Allele frequency attached by ClinVar (database versions not stated): gnomAD 0.00006 and 0.00007; TOPMed 0.00006; gnomAD exomes 0.00008 and 0.00009; ExAC 0.00009.
gnomAD v4.1: 145 of 1,612,748 alleles (0.009%); highest among the groups gnomAD compares: Admixed American, 0.012%; no homozygotes.

Submissions (5):

Labcorp Genetics (formerly Invitae), Labcorp
Classification: Uncertain significance for Left ventricular noncompaction 8. Last evaluated: 2025-11-26. Review status: criteria provided, single submitter. Criteria: Invitae Variant Classification Sherloc (09022015). Collection method: clinical testing. Allele origin: germline.
Comment: This sequence change replaces glutamic acid, which is acidic and polar, with lysine, which is basic and polar, at codon 39 of the PRDM16 protein (p.Glu39Lys). This variant is present in population databases (rs775285788, gnomAD 0.01%). This variant has not been reported in the literature in individuals affected with PRDM16-related conditions. ClinVar contains an entry for this variant (Variation ID: 968946). An algorithm developed to predict the effect of missense changes on protein structure and function (PolyPhen-2) suggests that this variant is likely to be disruptive. In summary, the available evidence is currently insufficient to determine the role of this variant in disease. Therefore, it has been classified as a Variant of Uncertain Significance.

GeneDx
Classification: Uncertain significance. Last evaluated: 2025-02-20. Review status: criteria provided, single submitter. Criteria: GeneDx Variant Classification Process June 2021. Collection method: clinical testing. Allele origin: germline. Affected: yes.
Comment: Has not been previously published as pathogenic or benign to our knowledge; In silico analysis indicates that this missense variant does not alter protein structure/function

Clinical Genetics DNA and cytogenetics Diagnostics Lab, Erasmus MC, Erasmus Medical Center
Classification: Uncertain significance. Review status: no assertion criteria provided. Collection method: clinical testing. Allele origin: germline. Affected: yes. Study: VKGL Data-share Consensus. Not counted in ClinVar's aggregate classification.

Clinical Genetics, Academic Medical Center
Classification: Uncertain significance. Review status: no assertion criteria provided. Collection method: clinical testing. Allele origin: germline. Affected: yes. Study: VKGL Data-share Consensus. Not counted in ClinVar's aggregate classification.

Diagnostic Laboratory, Department of Genetics, University Medical Center Groningen
Classification: Uncertain significance. Review status: no assertion criteria provided. Collection method: clinical testing. Allele origin: germline. Affected: yes. Study: VKGL Data-share Consensus. Not counted in ClinVar's aggregate classification.

NM_022114.4(PRDM16):c.115G>A (p.Glu39Lys)

Gene: PRDM16 (PR/SET domain 16; plus strand). Cytogenetic location: 1p36.32.
Variant type: single nucleotide variant.
Coding change: c.115G>A on transcript NM_022114.4 (MANE Select); coding-DNA position 115, G replaced by A.
Protein change: p.Glu39Lys; replaces glutamic acid 39 with lysine.
Molecular consequence: missense variant.
Genome position (GRCh38, 1-based): chr1:3,186,202, G>A. VCF-style: chr1-3186202-G-A. GRCh37 (hg19) VCF-style: chr1-3102766-G-A.
Other names: c.115G>A, p.Glu39Lys (NM_199454.3); short protein forms E39K.
Identifiers: ClinVar variation 968946 (VCV000968946.17), dbSNP rs775285788, ClinGen allele CA543709.
Genomic context (GRCh38, chr1:3,186,202, plus strand): 5'-AATAATATGTATGAGCCCAACCGGGACCTGCTGGCCAGCCACAGCGCGGAGGACGAGGCC[G>A]AGGACAGTGCCATGTCGCCCATCCCCGTGGGGCCACCGTCCCCCTTCCCCACCAGCGAGG-3'
Protein context (NP_071397.3, residues 29-49): LASHSAEDEA[Glu39Lys]DSAMSPIPVG